The following is an entry in ClinVar:

ClinVar aggregate classification (germline): Uncertain significance (1 of 4 stars; one submission).

Conditions:
Early-infantile DEE. Also called: Ohtahara syndrome; Early infantile epileptic encephalopathy; Early infantile epileptic encephalopathy with suppression bursts. Identifiers: Orphanet 1934, MedGen C0393706, MONDO:0800491.

gnomAD v4.1: 11 of 1,614,038 alleles (0.00068%); highest among the groups gnomAD compares: Non-Finnish European, 0.00093%; no homozygotes.

Submission:

Labcorp Genetics (formerly Invitae), Labcorp
Classification: Uncertain significance for Early-infantile DEE. Last evaluated: 2024-12-24. Review status: criteria provided, single submitter. Criteria: Invitae Variant Classification Sherloc (09022015). Collection method: clinical testing. Allele origin: germline.
Comment: This sequence change replaces glutamine, which is neutral and polar, with arginine, which is basic and polar, at codon 1436 of the SPTAN1 protein (p.Gln1436Arg). This variant is present in population databases (no rsID available, gnomAD 0.002%). This variant has not been reported in the literature in individuals affected with SPTAN1-related conditions. Invitae Evidence Modeling of protein sequence and biophysical properties (such as structural, functional, and spatial information, amino acid conservation, physicochemical variation, residue mobility, and thermodynamic stability) has been performed for this missense variant. However, the output from this modeling did not meet the statistical confidence thresholds required to predict the impact of this variant on SPTAN1 protein function. In summary, the available evidence is currently insufficient to determine the role of this variant in disease. Therefore, it has been classified as a Variant of Uncertain Significance.

NM_001130438.3(SPTAN1):c.4307A>G (p.Gln1436Arg)

Gene: SPTAN1 (spectrin alpha, non-erythrocytic 1; plus strand). Cytogenetic location: 9q34.11.
Variant type: single nucleotide variant.
Coding change: c.4307A>G on transcript NM_001130438.3 (MANE Select); coding-DNA position 4307, A replaced by G.
Protein change: p.Gln1436Arg; replaces glutamine 1436 with arginine.
Molecular consequence: missense variant.
Genome position (GRCh38, 1-based): chr9:128,608,012, A>G. VCF-style: chr9-128608012-A-G. GRCh37 (hg19) VCF-style: chr9-131370291-A-G.
Other names: c.4247A>G, p.Gln1416Arg (NM_001195532.2, NM_001363765.2, NM_001375314.2); c.4307A>G, p.Gln1436Arg (NM_001363759.2, NM_001375310.1, NM_001375311.2 and 2 more transcripts); c.4343A>G, p.Gln1448Arg (NM_001375312.2, NM_001375318.1); short protein forms Q1448R, Q1436R, Q1416R.
Identifiers: ClinVar variation 3666322 (VCV003666322.2).
Genomic context (GRCh38, chr9:128,608,012, plus strand): 5'-TCAAGCAGAAACTTGATATTCTTGACCAGGAGCGTGCAGACCTGGAGAAGGCCTGGGTTC[A>G]GCGCAGGATGATGCTGGATCAGTGCCTTGAACTGCAGGTGTGTGTGCTCCTGGTTTCTGA-3'
Protein context (NP_001123910.1, residues 1426-1446): ERADLEKAWV[Gln1436Arg]RRMMLDQCLE